The following is an entry in ClinVar:

ClinVar aggregate classification (germline): Uncertain significance. Review status: criteria provided, multiple submitters, no conflicts (2 of 4 stars). 2 submissions from 2 submitters: Uncertain significance (2). Last evaluated 2024-09-09.

Allele frequency attached by ClinVar (database versions not stated): TOPMed 0.00002.
gnomAD v4.1: 14 of 1,610,058 alleles (0.00087%); highest among the groups gnomAD compares: Middle Eastern, 0.034%; no homozygotes.

Submissions (2):

Blueprint Genetics
Classification: Uncertain significance. Last evaluated: 2024-09-09. Review status: criteria provided, single submitter. Criteria: ACMG Guidelines, 2015. Collection method: clinical testing. Allele origin: germline.

Labcorp Genetics (formerly Invitae), Labcorp
Classification: Uncertain significance. Last evaluated: 2022-07-22. Review status: criteria provided, single submitter. Criteria: Invitae Variant Classification Sherloc (09022015). Collection method: clinical testing. Allele origin: germline.
Comment: This sequence change replaces arginine, which is basic and polar, with serine, which is neutral and polar, at codon 28 of the COL9A1 protein (p.Arg28Ser). The frequency data for this variant in the population databases is considered unreliable, as metrics indicate poor data quality at this position in the gnomAD database. This variant has not been reported in the literature in individuals affected with COL9A1-related conditions. Advanced modeling of protein sequence and biophysical properties (such as structural, functional, and spatial information, amino acid conservation, physicochemical variation, residue mobility, and thermodynamic stability) performed at Invitae indicates that this missense variant is not expected to disrupt COL9A1 protein function. Algorithms developed to predict the effect of sequence changes on RNA splicing suggest that this variant may disrupt the consensus splice site. In summary, the available evidence is currently insufficient to determine the role of this variant in disease. Therefore, it has been classified as a Variant of Uncertain Significance.

NM_001851.6(COL9A1):c.82C>A (p.Arg28Ser)

Gene: COL9A1 (collagen type IX alpha 1 chain; minus strand). Cytogenetic location: 6q13.
Variant type: single nucleotide variant.
Coding change: c.82C>A on transcript NM_001851.6 (MANE Select); coding-DNA position 82, C replaced by A.
Protein change: p.Arg28Ser; replaces arginine 28 with serine.
Molecular consequence: missense variant.
Genome position (GRCh38, 1-based): chr6:70,302,007, G>T on the plus strand (C>A on the coding strand, the complement: COL9A1 is on the minus strand). VCF-style: chr6-70302007-G-T. GRCh37 (hg19) VCF-style: chr6-71011710-G-T.
Other names: c.82C>A, p.Arg28Ser (NM_001377291.1); short protein forms R28S.
Identifiers: ClinVar variation 2149720 (VCV002149720.2), dbSNP rs745566207, ClinGen allele CA3882944.